The following is an entry in ClinVar:

NM_001365276.2(TNXB):c.3270del (p.Ser1091fs)

Gene: TNXB (tenascin XB; minus strand). Cytogenetic location: 6p21.33.
Variant type: Deletion.
Coding change: c.3270del on transcript NM_001365276.2 (MANE Select); coding-DNA position 3270, one base deleted (C; older notation c.3270delC).
Protein change: p.Ser1091fs; shifts the reading frame from serine 1091.
Molecular consequence: frameshift variant.
Genome position (GRCh38, 1-based): chr6:32,084,588, G deleted on the plus strand (C on the coding strand, the reverse complement: TNXB is on the minus strand). VCF-style (leftmost placement, unchanged base first): chr6-32084587-AG-A. GRCh37 (hg19) VCF-style: chr6-32052364-AG-A.
Other names: c.4011del, p.Ser1338fs (NM_001428335.1); c.3270del, p.Ser1091fs (NM_019105.8); short protein forms S1091fs, S1338fs.
Identifiers: ClinVar variation 5015356 (VCV005015356.1).

ClinVar aggregate classification (germline): Pathogenic (1 of 4 stars; one submission).

Conditions:
Ehlers-Danlos syndrome due to tenascin-X deficiency (EDSCLL1). Also called: EDS DUE TO TNX DEFICIENCY; TNX DEFICIENCY; Ehlers-Danlos syndrome, classic-like, 1; EHLERS-DANLOS SYNDROME, CLASSIC-LIKE; TNXB-Related Classical-Like Ehlers-Danlos Syndrome. Identifiers: Orphanet 230839, MedGen C1848029, MONDO:0011670, OMIM 606408.

Submission:

Myriad Genetics, Inc.
Classification: Pathogenic for Ehlers-Danlos syndrome due to tenascin-X deficiency. Last evaluated: 2025-12-21. Review status: criteria provided, single submitter. Criteria: Myriad Autosomal Dominant, Autosomal Recessive and X-Linked Classification Criteria (2023). Collection method: clinical testing. Allele origin: unknown.
Comment: NM_019105.6(TNXB):c.3270delC(S1091Pfs*3) is expected to be pathogenic in the context of classical-like Ehlers-Danlos syndrome, TNXB-related. This variant is predicted to lead to an abnormal or absent protein product due to the creation of a premature termination codon in TNXB, a gene where loss-of-function variants are known to be pathogenic. Please note: this variant was assessed in the context of healthy population screening.